The following is an entry in ClinVar:

NM_001035.3(RYR2):c.4915G>A (p.Val1639Ile)

Gene: RYR2 (ryanodine receptor 2; plus strand). Cytogenetic location: 1q43.
Variant type: single nucleotide variant.
Coding change: c.4915G>A on transcript NM_001035.3 (MANE Select); coding-DNA position 4915, G replaced by A.
Protein change: p.Val1639Ile; replaces valine 1639 with isoleucine.
Molecular consequence: missense variant.
Genome position (GRCh38, 1-based): chr1:237,614,043, G>A. VCF-style: chr1-237614043-G-A. GRCh37 (hg19) VCF-style: chr1-237777343-G-A.
Other names: short protein forms V1639I.
Identifiers: ClinVar variation 923446 (VCV000923446.6), dbSNP rs1477625488, ClinGen allele CA345403461.

ClinVar aggregate classification (germline): Uncertain significance. Review status: criteria provided, multiple submitters, no conflicts (2 of 4 stars). 2 submissions from 2 submitters: Uncertain significance (2). Last evaluated 2023-12-05.

Conditions:
Cardiomyopathy (CMYO). Also called: Cardiomyopathies. Identifiers: Orphanet 167848, MedGen C0878544, MONDO:0004994, HP:0001638. Inheritance: Various modes of inheritance.
Catecholaminergic polymorphic ventricular tachycardia (CVPT). Also called: Catecholamine-induced polymorphic ventricular tachycardia. Identifiers: Orphanet 3286, MedGen C5574922, MONDO:0017990.

Allele frequency attached by ClinVar (database versions not stated): gnomAD exomes below 0.00001 and 0.00001; TOPMed below 0.00001.
gnomAD v4.1: 2 of 1,611,748 alleles (0.00012%); no homozygotes.

Submissions (2):

Color Diagnostics, LLC DBA Color Health
Classification: Uncertain significance for Cardiomyopathy. Last evaluated: 2023-12-05. Review status: criteria provided, single submitter. Criteria: ACMG Guidelines, 2015. Collection method: clinical testing. Allele origin: germline.
Comment: This missense variant replaces valine with isoleucine at codon 1639 of the RYR2 protein. Computational prediction tools and conservation analyses are inconclusive regarding the impact of this variant on protein function. Computational splicing tools suggest that this variant may not impact RNA splicing. To our knowledge, functional assays have not been performed for this variant nor has this variant been reported in individuals affected with cardiovascular disorders in the literature. This variant has been identified in 3/246548 chromosomes in the general population by the Genome Aggregation Database (gnomAD). Available evidence is insufficient to determine the role of this variant in disease conclusively. Therefore, this variant is classified as a Variant of Uncertain Significance.

All of Us Research Program, National Institutes of Health
Classification: Uncertain significance for Catecholaminergic polymorphic ventricular tachycardia. Last evaluated: 2023-05-04. Review status: criteria provided, single submitter. Criteria: ACMG Guidelines, 2015. Collection method: clinical testing. Allele origin: germline. Inheritance: Autosomal dominant inheritance. Observed: 1 variant allele, 1 heterozygote.
Comment: This missense variant replaces valine with isoleucine at codon 1639 of the RYR2 protein. Computational prediction tools and conservation analyses are inconclusive regarding the impact of this variant on protein function. Computational splicing tools suggest that this variant may not impact RNA splicing. To our knowledge, functional assays have not been performed for this variant nor has this variant been reported in individuals affected with cardiovascular disorders in the literature. This variant has been identified in 3/246548 chromosomes in the general population by the Genome Aggregation Database (gnomAD). Available evidence is insufficient to determine the role of this variant in disease conclusively. Therefore, this variant is classified as a Variant of Uncertain Significance.

This study involves interpretation of variants in research participants for the purpose of population health screening. Participant phenotype was not available at the time of variant classification. Additional details can be found in publication PMID: 35346344, PMCID: PMC8962531